The following is an entry in ClinVar:

NM_024426.6(WT1):c.847A>T (p.Thr283Ser)

Gene: WT1 (WT1 transcription factor; minus strand). Cytogenetic location: 11p13.
Variant type: single nucleotide variant.
Coding change: c.847A>T on transcript NM_024426.6 (MANE Select); coding-DNA position 847, A replaced by T.
Protein change: p.Thr283Ser; replaces threonine 283 with serine.
Molecular consequence: missense variant. On other transcripts: non-coding transcript variant (2).
Genome position (GRCh38, 1-based): chr11:32,427,996, T>A on the plus strand (A>T on the coding strand, the complement: WT1 is on the minus strand). VCF-style: chr11-32427996-T-A. GRCh37 (hg19) VCF-style: chr11-32449542-T-A.
Other names: c.847A>T, p.Thr283Ser (NM_000378.6, NM_001407044.1, NM_001407045.1 and 4 more transcripts); c.196A>T, p.Thr66Ser (NM_001198551.2, NM_001198552.2); c.724A>T, p.Thr242Ser (NM_001407047.1, NM_001407050.1); c.85A>T, p.Thr29Ser (NM_001407051.1); c.628A>T, p.Thr210Ser (NM_001429031.1, NM_001429032.1, NM_001429033.1 and 1 more transcripts); short protein forms T210S, T242S, T278S, T283S, T29S, T66S.
Identifiers: ClinVar variation 4756495 (VCV004756495.2).

ClinVar aggregate classification (germline): Uncertain significance. Review status: criteria provided, multiple submitters, no conflicts (2 of 4 stars). 2 submissions from 2 submitters: Uncertain significance (2). Last evaluated 2026-01-22.

Conditions:
Wilms tumor 1 (WT1). Also called: Wilms tumor, somatic. Identifiers: Orphanet 654, MedGen CN033288, MONDO:0008679, OMIM 194070.
Inborn genetic diseases. Identifiers: MedGen C0950123, MeSH D030342.

Submissions (2):

Ambry Genetics
Classification: Uncertain significance for Inborn genetic diseases. Last evaluated: 2026-01-22. Review status: criteria provided, single submitter. Criteria: Ambry Variant Classification Scheme 2023. Collection method: clinical testing. Allele origin: germline.
Comment: The p.T278S variant (also known as c.832A>T), located in coding exon 3 of the WT1 gene, results from an A to T substitution at nucleotide position 832. The threonine at codon 278 is replaced by serine, an amino acid with similar properties. This amino acid position is conserved. In addition, this alteration is predicted to be tolerated by in silico analysis. Based on the available evidence, the clinical significance of this variant remains unclear.

Color Diagnostics, LLC DBA Color Health
Classification: Uncertain significance for Wilms tumor 1. Last evaluated: 2025-09-11. Review status: criteria provided, single submitter. Criteria: ACMG Guidelines, 2015. Collection method: clinical testing. Allele origin: germline.
Comment: This missense variant replaces threonine with serine at codon 278 of the WT1 protein. Computational prediction suggests that this variant may not impact protein structure and function. To our knowledge, functional studies have not been reported for this variant. This variant has not been reported in individuals affected with WT1-related disorders in the literature. This variant has not been identified in the general population by the Genome Aggregation Database (gnomAD). The available evidence is insufficient to determine the role of this variant in disease conclusively. Therefore, this variant is classified as a Variant of Uncertain Significance.